The following is an entry in ClinVar:

ClinVar aggregate classification (germline): Uncertain significance (1 of 4 stars; one submission).

Submission:

Labcorp Genetics (formerly Invitae), Labcorp
Classification: Uncertain significance. Last evaluated: 2022-12-10. Review status: criteria provided, single submitter. Criteria: Invitae Variant Classification Sherloc (09022015). Collection method: clinical testing. Allele origin: germline.
Comment: This sequence change replaces cysteine, which is neutral and slightly polar, with tyrosine, which is neutral and polar, at codon 131 of the RP2 protein (p.Cys131Tyr). This variant is not present in population databases (gnomAD no frequency). This variant has not been reported in the literature in individuals affected with RP2-related conditions. Algorithms developed to predict the effect of missense changes on protein structure and function (SIFT, PolyPhen-2, Align-GVGD) all suggest that this variant is likely to be disruptive. In summary, the available evidence is currently insufficient to determine the role of this variant in disease. Therefore, it has been classified as a Variant of Uncertain Significance.

NM_006915.3(RP2):c.392G>A (p.Cys131Tyr)

Gene: RP2 (RP2 activator of ARL3 GTPase; plus strand). Cytogenetic location: Xp11.3.
Variant type: single nucleotide variant.
Coding change: c.392G>A on transcript NM_006915.3 (MANE Select); coding-DNA position 392, G replaced by A.
Protein change: p.Cys131Tyr; replaces cysteine 131 with tyrosine.
Molecular consequence: missense variant.
Genome position (GRCh38, 1-based): chrX:46,853,765, G>A. VCF-style: chrX-46853765-G-A. GRCh37 (hg19) VCF-style: chrX-46713200-G-A.
Other names: short protein forms C131Y.
Identifiers: ClinVar variation 2082637 (VCV002082637.4), dbSNP rs2519914327, ClinGen allele CA413039590.